The following is an entry in ClinVar:

ClinVar aggregate classification (germline): Uncertain significance (1 of 4 stars; one submission).

Conditions:
Catecholaminergic polymorphic ventricular tachycardia 1. Also called: VENTRICULAR TACHYCARDIA, CATECHOLAMINERGIC POLYMORPHIC, 1, WITH OR WITHOUT ATRIAL DYSFUNCTION AND/OR DILATED CARDIOMYOPATHY; RYR2-Related Catecholaminergic Polymorphic Ventricular Tachycardia; VENTRICULAR TACHYCARDIA, STRESS-INDUCED POLYMORPHIC 1. Identifiers: Orphanet 3286, MedGen C1631597, MONDO:0011484, OMIM 604772.

Submission:

Labcorp Genetics (formerly Invitae), Labcorp
Classification: Uncertain significance for Catecholaminergic polymorphic ventricular tachycardia 1. Last evaluated: 2024-10-01. Review status: criteria provided, single submitter. Criteria: Invitae Variant Classification Sherloc (09022015). Collection method: clinical testing. Allele origin: germline.
Comment: This sequence change replaces valine, which is neutral and non-polar, with leucine, which is neutral and non-polar, at codon 826 of the RYR2 protein (p.Val826Leu). This variant is not present in population databases (gnomAD no frequency). This variant has not been reported in the literature in individuals affected with RYR2-related conditions. Invitae Evidence Modeling of protein sequence and biophysical properties (such as structural, functional, and spatial information, amino acid conservation, physicochemical variation, residue mobility, and thermodynamic stability) indicates that this missense variant is not expected to disrupt RYR2 protein function with a negative predictive value of 95%. In summary, the available evidence is currently insufficient to determine the role of this variant in disease. Therefore, it has been classified as a Variant of Uncertain Significance.

NM_001035.3(RYR2):c.2476G>C (p.Val826Leu)

Gene: RYR2 (ryanodine receptor 2; plus strand). Cytogenetic location: 1q43.
Variant type: single nucleotide variant.
Coding change: c.2476G>C on transcript NM_001035.3 (MANE Select); coding-DNA position 2476, G replaced by C.
Protein change: p.Val826Leu; replaces valine 826 with leucine.
Molecular consequence: missense variant.
Genome position (GRCh38, 1-based): chr1:237,503,368, G>C. VCF-style: chr1-237503368-G-C. GRCh37 (hg19) VCF-style: chr1-237666668-G-C.
Other names: short protein forms V826L.
Identifiers: ClinVar variation 3633784 (VCV003633784.2).